The following is an entry in ClinVar:

NM_006231.4(POLE):c.6557T>C (p.Leu2186Pro)

Gene: POLE (DNA polymerase epsilon, catalytic subunit; minus strand). Cytogenetic location: 12q24.33.
Variant type: single nucleotide variant.
Coding change: c.6557T>C on transcript NM_006231.4 (MANE Select); coding-DNA position 6557, T replaced by C.
Protein change: p.Leu2186Pro; replaces leucine 2186 with proline.
Molecular consequence: missense variant.
Genome position (GRCh38, 1-based): chr12:132,625,745, A>G on the plus strand (T>C on the coding strand, the complement: POLE is on the minus strand). VCF-style: chr12-132625745-A-G. GRCh37 (hg19) VCF-style: chr12-133202331-A-G.
Other names: short protein forms L2186P.
Identifiers: ClinVar variation 2132961 (VCV002132961.4), dbSNP rs2541837796, ClinGen allele CA387366855.

ClinVar aggregate classification (germline): Uncertain significance (1 of 4 stars; one submission).

Submission:

Labcorp Genetics (formerly Invitae), Labcorp
Classification: Uncertain significance. Last evaluated: 2022-05-03. Review status: criteria provided, single submitter. Criteria: Invitae Variant Classification Sherloc (09022015). Collection method: clinical testing. Allele origin: germline.
Comment: This variant is not present in population databases (gnomAD no frequency). In summary, the available evidence is currently insufficient to determine the role of this variant in disease. Therefore, it has been classified as a Variant of Uncertain Significance. Algorithms developed to predict the effect of missense changes on protein structure and function (SIFT, PolyPhen-2, Align-GVGD) all suggest that this variant is likely to be tolerated. This variant has not been reported in the literature in individuals affected with POLE-related conditions. This sequence change replaces leucine, which is neutral and non-polar, with proline, which is neutral and non-polar, at codon 2186 of the POLE protein (p.Leu2186Pro).